The following is an entry in ClinVar:

ClinVar aggregate classification (germline): Uncertain significance (1 of 4 stars; one submission).

Conditions:
Heterotopia, periventricular, X-linked dominant (PVNH1). Also called: PERIVENTRICULAR NODULAR HETEROTOPIA 1; PERIVENTRICULAR NODULAR HETEROTOPIA 4; HETEROTOPIA, PERIVENTRICULAR, 1; X-linked periventricular heterotopia. Identifiers: Orphanet 2149, Orphanet 82004, MedGen C1848213, MONDO:0010233, OMIM 300049.
Melnick-Needles syndrome (MNS). Also called: Melnick-Needles Syndrome (FLNA-MNS); MELNICK-NEEDLES OSTEODYSPLASTY; OSTEODYSPLASTY OF MELNICK AND NEEDLES. Identifiers: Orphanet 2484, MedGen C0025237, MONDO:0010650, OMIM 309350.
Oto-palato-digital syndrome, type II (OPD2). Also called: Otopalatodigital Syndrome Type 2 (FLNA-OPD2); FACIOPALATOOSSEOUS SYNDROME; OPD II SYNDROME; Otopalatodigital Syndrome, Type II. Identifiers: Orphanet 669, Orphanet 90652, MedGen C1844696, MONDO:0010571, OMIM 304120.
Frontometaphyseal dysplasia (FMD1). Identifiers: Orphanet 1826, MedGen C0265293, MONDO:0015942.

Allele frequency attached by ClinVar (database versions not stated): gnomAD exomes below 0.00001; gnomAD 0.00001.

Submission:

Labcorp Genetics (formerly Invitae), Labcorp
Classification: Uncertain significance for Oto-palato-digital syndrome, type II; Heterotopia, periventricular, X-linked dominant; Frontometaphyseal dysplasia; Melnick-Needles syndrome. Last evaluated: 2025-10-13. Review status: criteria provided, single submitter. Criteria: Invitae Variant Classification Sherloc (09022015). Collection method: clinical testing. Allele origin: germline.
Comment: This sequence change replaces lysine, which is basic and polar, with threonine, which is neutral and polar, at codon 1246 of the FLNA protein (p.Lys1246Thr). This variant is not present in population databases (gnomAD no frequency). This variant has not been reported in the literature in individuals affected with FLNA-related conditions. ClinVar contains an entry for this variant (Variation ID: 1956388). Invitae Evidence Modeling of protein sequence and biophysical properties (such as structural, functional, and spatial information, amino acid conservation, physicochemical variation, residue mobility, and thermodynamic stability) indicates that this missense variant is not expected to disrupt FLNA protein function with a negative predictive value of 95%. In summary, the available evidence is currently insufficient to determine the role of this variant in disease. Therefore, it has been classified as a Variant of Uncertain Significance.

NM_001110556.2(FLNA):c.3737A>C (p.Lys1246Thr)

Gene: FLNA (filamin A; minus strand). Cytogenetic location: Xq28.
Variant type: single nucleotide variant.
Coding change: c.3737A>C on transcript NM_001110556.2 (MANE Select); coding-DNA position 3737, A replaced by C.
Protein change: p.Lys1246Thr; replaces lysine 1246 with threonine.
Molecular consequence: missense variant.
Genome position (GRCh38, 1-based): chrX:154,360,058, T>G on the plus strand (A>C on the coding strand, the complement: FLNA is on the minus strand). VCF-style: chrX-154360058-T-G. GRCh37 (hg19) VCF-style: chrX-153588426-T-G.
Other names: c.3737A>C, p.Lys1246Thr (NM_001456.4); short protein forms K1246T.
Identifiers: ClinVar variation 1956388 (VCV001956388.5), dbSNP rs2067693094, ClinGen allele CA415222849.
Genomic context (GRCh38, chrX:154,360,058, plus strand): 5'-TCAATACCAGGCCCATAGCACTGGACACCGGAAGTGTCCACCGCAGGTTCCACCTGCAGC[T>G]TGCTGGGGAAGTTGGGCACGGGCTGGCCGCCGTACTTGATGGTGACGGTGTAGGCCCCGG-3'
Protein context (NP_001104026.1, residues 1236-1256): GGQPVPNFPS[Lys1246Thr]LQVEPAVDTS